The following is an entry in ClinVar:

ClinVar aggregate classification (germline): Conflicting classifications of pathogenicity. Review status: criteria provided, conflicting classifications (1 of 4 stars). 2 submissions from 2 submitters: Uncertain significance (1); Likely benign (1). Last evaluated 2025-10-22.

Allele frequency attached by ClinVar (database versions not stated): gnomAD 0.00001; TOPMed 0.00001.
gnomAD v4.1: 37 of 1,596,770 alleles (0.0023%); highest among the groups gnomAD compares: Non-Finnish European, 0.003%; no homozygotes.

Submissions (2):

GeneDx
Classification: Uncertain significance. Last evaluated: 2025-10-22. Review status: criteria provided, single submitter. Criteria: GeneDx Variant Classification Process June 2021. Collection method: clinical testing. Allele origin: germline. Affected: yes.
Comment: Not observed at significant frequency in large population cohorts (gnomAD); In silico analysis supports that this missense variant has a deleterious effect on protein structure/function; Identified in a patient with adolescent idiopathic scoliosis in published literature (PMID: 26566670) but additional evidence is not available; This variant is associated with the following publications: (PMID: 26566670)

Labcorp Genetics (formerly Invitae), Labcorp
Classification: Likely benign. Last evaluated: 2024-12-03. Review status: criteria provided, single submitter. Criteria: Invitae Variant Classification Sherloc (09022015). Collection method: clinical testing. Allele origin: germline.

NM_080680.3(COL11A2):c.3335C>A (p.Pro1112His)

Gene: COL11A2 (collagen type XI alpha 2 chain; minus strand). Cytogenetic location: 6p21.32.
Variant type: single nucleotide variant.
Coding change: c.3335C>A on transcript NM_080680.3 (MANE Select); coding-DNA position 3335, C replaced by A.
Protein change: p.Pro1112His; replaces proline 1112 with histidine.
Molecular consequence: missense variant.
Genome position (GRCh38, 1-based): chr6:33,171,145, G>T on the plus strand (C>A on the coding strand, the complement: COL11A2 is on the minus strand). VCF-style: chr6-33171145-G-T. GRCh37 (hg19) VCF-style: chr6-33138922-G-T.
Other names: c.3014C>A, p.Pro1005His (NM_080679.3); c.3077C>A, p.Pro1026His (NM_080681.3); short protein forms P1005H, P1026H, P1112H.
Identifiers: ClinVar variation 1314987 (VCV001314987.8), dbSNP rs759086485, ClinGen allele CA3750549.